The following is an entry in ClinVar:

ClinVar aggregate classification (germline): Uncertain significance. Review status: criteria provided, multiple submitters, no conflicts (2 of 4 stars). 2 submissions from 2 submitters: Uncertain significance (2). Last evaluated 2024-10-07.

Conditions:
Familial focal epilepsy with variable foci (FPEVF). Identifiers: Orphanet 98820, MedGen C1858477, MONDO:0020310.

Allele frequency attached by ClinVar (database versions not stated): TOPMed below 0.00001; gnomAD 0.00001; gnomAD exomes 0.00003 and 0.00004; ExAC 0.00005.
gnomAD v4.1: 50 of 1,613,928 alleles (0.0031%); highest among the groups gnomAD compares: Non-Finnish European, 0.0042%; no homozygotes.

Submissions (2):

Labcorp Genetics (formerly Invitae), Labcorp
Classification: Uncertain significance for Familial focal epilepsy with variable foci. Last evaluated: 2024-10-07. Review status: criteria provided, single submitter. Criteria: Invitae Variant Classification Sherloc (09022015). Collection method: clinical testing. Allele origin: germline.
Comment: This sequence change replaces arginine, which is basic and polar, with cysteine, which is neutral and slightly polar, at codon 1583 of the DEPDC5 protein (p.Arg1583Cys). This variant is present in population databases (rs759170497, gnomAD 0.009%). This variant has not been reported in the literature in individuals affected with DEPDC5-related conditions. ClinVar contains an entry for this variant (Variation ID: 645407). Experimental studies and prediction algorithms are not available or were not evaluated, and the functional significance of this variant is currently unknown. In summary, the available evidence is currently insufficient to determine the role of this variant in disease. Therefore, it has been classified as a Variant of Uncertain Significance.

Women's Health and Genetics/Laboratory Corporation of America, LabCorp
Classification: Uncertain significance. Last evaluated: 2024-02-02. Review status: criteria provided, single submitter. Criteria: LabCorp Variant Classification Summary - May 2015. Collection method: clinical testing. Allele origin: germline.
Comment: Variant summary: DEPDC5 c.4747C>T (p.Arg1583Cys) results in a non-conservative amino acid change located in the DEPDC5, C-terminal (IPR045838) of the encoded protein sequence. Three of five in-silico tools predict a damaging effect of the variant on protein function. The variant allele was found at a frequency of 3.6e-05 in 249248 control chromosomes, predominantly at a frequency of 8e-05 within the Non-Finnish European subpopulation in the gnomAD database. The available data on variant occurrences in the general population are insufficient to allow any conclusion about variant significance. To our knowledge, no occurrence of c.4747C>T in individuals affected with Epilepsy, Familial Focal, With Variable Foci 1 and no experimental evidence demonstrating its impact on protein function have been reported. ClinVar contains an entry for this variant (Variation ID: 645407). Based on the evidence outlined above, the variant was classified as uncertain significance.

NM_001242896.3(DEPDC5):c.4747C>T (p.Arg1583Cys)

Gene: DEPDC5 (DEP domain containing 5, GATOR1 subcomplex subunit; plus strand). Cytogenetic location: 22q12.3.
Variant type: single nucleotide variant.
Coding change: c.4747C>T on transcript NM_001242896.3 (MANE Select); coding-DNA position 4747, C replaced by T.
Protein change: p.Arg1583Cys; replaces arginine 1583 with cysteine.
Molecular consequence: missense variant. On other transcripts: non-coding transcript variant (5).
Genome position (GRCh38, 1-based): chr22:31,906,432, C>T. VCF-style: chr22-31906432-C-T. GRCh37 (hg19) VCF-style: chr22-32302418-C-T.
Other names: c.4720C>T, p.Arg1574Cys (NM_001136029.4); c.4447C>T, p.Arg1483Cys (NM_001242897.2); c.4681C>T, p.Arg1561Cys (NM_001363852.2, NM_001364320.2); c.4513C>T, p.Arg1505Cys (NM_001363854.2, NM_001364319.2); c.4747C>T, p.Arg1583Cys (NM_001364318.2); c.4663C>T, p.Arg1555Cys (NM_001369901.1, NM_001369902.1); c.4654C>T, p.Arg1552Cys (NM_001369903.1, NM_014662.6); short protein forms R1574C, R1505C, R1561C, R1483C, R1552C, R1555C, R1583C.
Identifiers: ClinVar variation 645407 (VCV000645407.12), dbSNP rs759170497, ClinGen allele CA10197327.